The following is an entry in ClinVar:

ClinVar aggregate classification (germline): Uncertain significance (1 of 4 stars; one submission).

Conditions:
Joubert syndrome. Also called: Familial aplasia of the vermis; CEREBELLOPARENCHYMAL DISORDER IV; JOUBERT-BOLTSHAUSER SYNDROME. Identifiers: Orphanet 475, MedGen C5979921, MONDO:0018772.

Submission:

Labcorp Genetics (formerly Invitae), Labcorp
Classification: Uncertain significance for Joubert syndrome. Last evaluated: 2022-06-13. Review status: criteria provided, single submitter. Criteria: Invitae Variant Classification Sherloc (09022015). Collection method: clinical testing. Allele origin: germline.
Comment: Algorithms developed to predict the effect of missense changes on protein structure and function are either unavailable or do not agree on the potential impact of this missense change (SIFT: "Deleterious"; PolyPhen-2: "Probably Damaging"; Align-GVGD: "Class C15"). In summary, the available evidence is currently insufficient to determine the role of this variant in disease. Therefore, it has been classified as a Variant of Uncertain Significance. Variants that disrupt the consensus splice site are a relatively common cause of aberrant splicing (PMID: 17576681, 9536098). Algorithms developed to predict the effect of sequence changes on RNA splicing suggest that this variant may disrupt the consensus splice site. ClinVar contains an entry for this variant (Variation ID: 1017263). This variant has not been reported in the literature in individuals affected with AHI1-related conditions. This variant is not present in population databases (gnomAD no frequency). This sequence change replaces glycine, which is neutral and non-polar, with arginine, which is basic and polar, at codon 875 of the AHI1 protein (p.Gly875Arg). This variant also falls at the last nucleotide of exon 18, which is part of the consensus splice site for this exon.

Literature cited by the submitters: PubMed 17576681; PubMed 9536098.

NM_001134831.2(AHI1):c.2623G>A (p.Gly875Arg)

Gene: AHI1 (Abelson helper integration site 1; minus strand). Cytogenetic location: 6q23.3.
Variant type: single nucleotide variant.
Coding change: c.2623G>A on transcript NM_001134831.2 (MANE Select); coding-DNA position 2623, G replaced by A.
Protein change: p.Gly875Arg; replaces glycine 875 with arginine.
Molecular consequence: missense variant.
Genome position (GRCh38, 1-based): chr6:135,428,629, C>T on the plus strand (G>A on the coding strand, the complement: AHI1 is on the minus strand). VCF-style: chr6-135428629-C-T. GRCh37 (hg19) VCF-style: chr6-135749767-C-T.
Other names: c.2623G>A, p.Gly875Arg (NM_001134830.2, NM_001134832.2, NM_001350503.2 and 2 more transcripts); short protein forms G875R.
Identifiers: ClinVar variation 1017263 (VCV001017263.12), dbSNP rs1784232614, ClinGen allele CA365741990.